The following is an entry in ClinVar:

NM_003906.5(MCM3AP):c.1707A>G (p.Gln569=)

Gene: MCM3AP (minichromosome maintenance complex component 3 associated protein; minus strand). Cytogenetic location: 21q22.3.
Variant type: single nucleotide variant.
Coding change: c.1707A>G on transcript NM_003906.5 (MANE Select); coding-DNA position 1707, A replaced by G.
Protein change: p.Gln569=; no amino-acid change (glutamine 569 retained).
Molecular consequence: synonymous variant.
Genome position (GRCh38, 1-based): chr21:46,277,678, T>C on the plus strand (A>G on the coding strand, the complement: MCM3AP is on the minus strand). VCF-style: chr21-46277678-T-C. GRCh37 (hg19) VCF-style: chr21-47697592-T-C.
Identifiers: ClinVar variation 2652821 (VCV002652821.24), dbSNP rs372474971, ClinGen allele CA10076998.
Genomic context (GRCh38, chr21:46,277,678, plus strand): 5'-CACACATGGCCCGAGGCCCTCGGAGCCCTCGGAGGCTGAGTCAAAAGAGTCTCCCTCGAA[T>C]TGGTGGGCCTTTAGAAGACTTGGCTTCTTCACTGGAGAGCTATAAAGTAAACACCACACT-3'
Protein context (NP_003897.2, residues 559-579): VKKPSLLKAH[Gln569=]FEGDSFDSAS

ClinVar aggregate classification (germline): Likely benign (1 of 4 stars; one submission).

Allele frequency attached by ClinVar (database versions not stated): gnomAD exomes below 0.00001; ExAC 0.00001; ESP Exome Variant Server 0.00008.
gnomAD v4.1: 3 of 1,603,788 alleles (0.00019%); highest among the groups gnomAD compares: Non-Finnish European, 0.00026%; no homozygotes.

Submission:

CeGaT Center for Human Genetics Tuebingen
Classification: Likely benign. Last evaluated: 2023-04-01. Review status: criteria provided, single submitter. Criteria: CeGaT Center For Human Genetics Tuebingen Variant Classification Criteria Version 2. Collection method: clinical testing. Allele origin: germline. Affected: yes. Observed: 1 variant allele.
Comment: MCM3AP: BP4, BP7